The following is an entry in ClinVar:

NM_005359.6(SMAD4):c.1269A>C (p.Gly423=)

Gene: SMAD4 (SMAD family member 4; plus strand). Cytogenetic location: 18q21.2.
Variant type: single nucleotide variant.
Coding change: c.1269A>C on transcript NM_005359.6 (MANE Select); coding-DNA position 1269, A replaced by C.
Protein change: p.Gly423=; no amino-acid change (glycine 423 retained).
Molecular consequence: synonymous variant.
Genome position (GRCh38, 1-based): chr18:51,067,148, A>C. VCF-style: chr18-51067148-A-C. GRCh37 (hg19) VCF-style: chr18-48593518-A-C.
Identifiers: ClinVar variation 801280 (VCV000801280.11), dbSNP rs1052676207, ClinGen allele CA300092005.

ClinVar aggregate classification (germline): Conflicting classifications of pathogenicity. Review status: criteria provided, conflicting classifications (1 of 4 stars). 4 submissions from 4 submitters: Uncertain significance (1); Benign (1); Likely benign (2). Last evaluated 2025-03-21.

Conditions:
Juvenile polyposis syndrome (JPS). Identifiers: Orphanet 2929, MedGen C0345893, MONDO:0017380, OMIM 174900.
Familial thoracic aortic aneurysm and aortic dissection (TAAD). Also called: Thoracic aortic aneurysms and dissections. Identifiers: Orphanet 91387, MedGen C4707243, MONDO:0019625.
Hereditary cancer-predisposing syndrome. Also called: Neoplastic Syndromes, Hereditary; Hereditary neoplastic syndrome; Hereditary Cancer Syndrome; Tumor predisposition. Identifiers: Orphanet 140162, MedGen C0027672, MeSH D009386, MONDO:0015356.
Juvenile polyposis/hereditary hemorrhagic telangiectasia syndrome (JPHT). Also called: JP/HHT SYNDROME; JUVENILE POLYPOSIS WITH HEREDITARY HEMORRHAGIC TELANGIECTASIA; POLYPOSIS, GENERALIZED JUVENILE, WITH PULMONARY ARTERIOVENOUS MALFORMATION; TELANGIECTASIA, HEREDITARY HEMORRHAGIC, WITH JUVENILE POLYPOSIS COLI; Juvenile Polyposis Syndrome / Hereditary Hemorrhagic Telangiectasia (JPS/HHT). Identifiers: Orphanet 2929, MedGen C1832942, MONDO:0008278, OMIM 175050.

Submissions (4):

Myriad Genetics, Inc.
Classification: Benign for Juvenile polyposis/hereditary hemorrhagic telangiectasia syndrome. Last evaluated: 2025-03-21. Review status: criteria provided, single submitter. Criteria: Myriad Autosomal Dominant, Autosomal Recessive and X-Linked Classification Criteria (2023). Collection method: clinical testing. Allele origin: unknown.
Comment: This variant is considered benign. This variant is a silent/synonymous amino acid change and it is not expected to impact splicing.

Ambry Genetics
Classification: Likely benign for Hereditary cancer-predisposing syndrome; Familial thoracic aortic aneurysm and aortic dissection. Last evaluated: 2024-09-13. Review status: criteria provided, single submitter. Criteria: Ambry Variant Classification Scheme 2023. Collection method: clinical testing. Allele origin: germline.

Labcorp Genetics (formerly Invitae), Labcorp
Classification: Likely benign for Juvenile polyposis syndrome. Last evaluated: 2024-05-31. Review status: criteria provided, single submitter. Criteria: Invitae Variant Classification Sherloc (09022015). Collection method: clinical testing. Allele origin: germline.

Quest Diagnostics Nichols Institute San Juan Capistrano
Classification: Uncertain significance. Last evaluated: 2019-05-01. Review status: criteria provided, single submitter. Criteria: Quest Diagnostics criteria. Collection method: clinical testing. Allele origin: germline.